The following is an entry in ClinVar:

NM_001105247.2(ARMC5):c.616G>T (p.Ala206Ser)

Gene: ARMC5 (armadillo repeat containing 5; plus strand). Cytogenetic location: 16p11.2.
Variant type: single nucleotide variant.
Coding change: c.616G>T on transcript NM_001105247.2 (MANE Select); coding-DNA position 616, G replaced by T.
Protein change: p.Ala206Ser; replaces alanine 206 with serine.
Molecular consequence: missense variant.
Genome position (GRCh38, 1-based): chr16:31,462,163, G>T. VCF-style: chr16-31462163-G-T. GRCh37 (hg19) VCF-style: chr16-31473484-G-T.
Other names: c.901G>T, p.Ala301Ser (NM_001288767.2); c.712G>T, p.Ala238Ser (NM_001301820.1); c.616G>T, p.Ala206Ser (NM_024742.2); c.901G>T (NM_001288767.1); short protein forms A206S, A301S, A238S.
Identifiers: ClinVar variation 3129661 (VCV003129661.2), dbSNP rs371608784, ClinGen allele CA8029523.
Genomic context (GRCh38, chr16:31,462,163, plus strand): 5'-CCTCTGTGCTCCCCTTTCCTGCCCTCAGGTGCTGTTCCCCTGCTTGTGGAGAGCCTGACA[G>T]CCTGCCAGGACTCGCAGTGCCTACAGAGCGTGGTGCGTGCCCTCCGTAACCTGGCAGACT-3'
Protein context (NP_001098717.1, residues 196-216): AVPLLVESLT[Ala206Ser]CQDSQCLQSV

ClinVar aggregate classification (germline): Uncertain significance. Review status: criteria provided, single submitter (1 of 4 stars). 2 submissions from 2 submitters: Uncertain significance (1). 1 of the submissions does not count toward it. Last evaluated 2023-02-23.

Conditions:
Inborn genetic diseases. Identifiers: MedGen C0950123, MeSH D030342.
ARMC5-related disorder. Also called: ARMC5-related condition.

Allele frequency attached by ClinVar (database versions not stated): ExAC 0.00004; ESP Exome Variant Server 0.00008; gnomAD 0.00009; TOPMed 0.00011; gnomAD exomes 0.00017.

Submissions (2):

Ambry Genetics
Classification: Uncertain significance for Inborn genetic diseases. Last evaluated: 2023-02-23. Review status: criteria provided, single submitter. Criteria: Ambry Variant Classification Scheme 2023. Collection method: clinical testing. Allele origin: germline.

PreventionGenetics, part of Exact Sciences
Classification: Uncertain significance for ARMC5-related condition. Last evaluated: 2024-08-14. Review status: no assertion criteria provided. Collection method: clinical testing. Allele origin: germline. Not counted in ClinVar's aggregate classification.
Comment: The ARMC5 c.901G>T variant is predicted to result in the amino acid substitution p.Ala301Ser. To our knowledge, this variant has not been reported in the literature. This variant is reported in 0.021% of alleles in individuals of European (Non-Finnish) descent in gnomAD. This variant is classified as uncertain in ClinVar. Although we suspect that this variant may be benign, at this time, the clinical significance of this variant is uncertain due to the absence of conclusive functional and genetic evidence.